The following is an entry in ClinVar:

ClinVar aggregate classification (germline): Uncertain significance (1 of 4 stars; one submission).

Conditions:
Ellis-van Creveld syndrome (EVC). Also called: EVC-Related Ellis-van Creveld Syndrome; EVC2-Related Ellis-van Creveld Syndrome; Chondroectodermal dysplasia; MESOECTODERMAL DYSPLASIA. Identifiers: Orphanet 289, MedGen C0013903, MONDO:0009162, OMIM 225500.
Curry-Hall syndrome (WAD). Also called: WEYERS ACRODENTAL DYSOSTOSIS. Identifiers: Orphanet 952, MedGen C0457013, MONDO:0008673, OMIM 193530.

Allele frequency attached by ClinVar (database versions not stated): gnomAD 0.00003; ExAC 0.00005; TOPMed 0.00005; ESP Exome Variant Server 0.00015.
gnomAD v4.1: 36 of 1,614,108 alleles (0.0022%); highest among the groups gnomAD compares: African/African-American, 0.0027%; no homozygotes.

Submission:

Labcorp Genetics (formerly Invitae), Labcorp
Classification: Uncertain significance for Curry-Hall syndrome; Ellis-van Creveld syndrome. Last evaluated: 2022-03-31. Review status: criteria provided, single submitter. Criteria: Invitae Variant Classification Sherloc (09022015). Collection method: clinical testing. Allele origin: germline.
Comment: This sequence change replaces isoleucine, which is neutral and non-polar, with threonine, which is neutral and polar, at codon 545 of the EVC2 protein (p.Ile545Thr). This variant is present in population databases (rs374645597, gnomAD 0.008%). This variant has not been reported in the literature in individuals affected with EVC2-related conditions. Algorithms developed to predict the effect of missense changes on protein structure and function (SIFT, PolyPhen-2, Align-GVGD) all suggest that this variant is likely to be disruptive. In summary, the available evidence is currently insufficient to determine the role of this variant in disease. Therefore, it has been classified as a Variant of Uncertain Significance.

NM_147127.5(EVC2):c.1634T>C (p.Ile545Thr)

Gene: EVC2 (EvC ciliary complex subunit 2; minus strand). Cytogenetic location: 4p16.2.
Variant type: single nucleotide variant.
Coding change: c.1634T>C on transcript NM_147127.5 (MANE Select); coding-DNA position 1634, T replaced by C.
Protein change: p.Ile545Thr; replaces isoleucine 545 with threonine.
Molecular consequence: missense variant.
Genome position (GRCh38, 1-based): chr4:5,631,869, A>G on the plus strand (T>C on the coding strand, the complement: EVC2 is on the minus strand). VCF-style: chr4-5631869-A-G. GRCh37 (hg19) VCF-style: chr4-5633596-A-G.
Other names: c.1394T>C, p.Ile465Thr (NM_001166136.2); short protein forms I465T, I545T.
Identifiers: ClinVar variation 2195140 (VCV002195140.1), dbSNP rs374645597, ClinGen allele CA2834996.
Genomic context (GRCh38, chr4:5,631,869, plus strand): 5'-TTTTGCAGCAGCATTTTAGCTGCCTCTGGTTTCAATTCCCCTTTGAAAATAGCACTTTTT[A>G]TCTGGGTAAAAAAGATACTGTGCAGTTCATTTCTCTGGAAAACAGCCAGCTGTCTGTGAG-3'
Protein context (NP_667338.3, residues 535-555): NELHSIFFTQ[Ile545Thr]KSAIFKGELK